The following is an entry in ClinVar:

ClinVar aggregate classification (germline): Uncertain significance. Review status: criteria provided, multiple submitters, no conflicts (2 of 4 stars). 2 submissions from 2 submitters: Uncertain significance (2). Last evaluated 2024-07-13.

Conditions:
Hereditary cancer-predisposing syndrome. Also called: Neoplastic Syndromes, Hereditary; Tumor predisposition; Hereditary neoplastic syndrome; Hereditary Cancer Syndrome. Identifiers: Orphanet 140162, MedGen C0027672, MeSH D009386, MONDO:0015356.

gnomAD v4.1: 1 of 1,614,080 alleles (0.000062%); highest among the groups gnomAD compares: Non-Finnish European, 0.000085%; no homozygotes.

Submissions (2):

Ambry Genetics
Classification: Uncertain significance for Hereditary cancer-predisposing syndrome. Last evaluated: 2024-07-13. Review status: criteria provided, single submitter. Criteria: Ambry Variant Classification Scheme 2023. Collection method: clinical testing. Allele origin: germline.
Comment: The p.M2232I variant (also known as c.6696G>T), located in coding exon 48 of the POLE gene, results from a G to T substitution at nucleotide position 6696. The methionine at codon 2232 is replaced by isoleucine, an amino acid with highly similar properties. This amino acid position is conserved. In addition, the in silico prediction for this alteration is inconclusive. Since supporting evidence is limited at this time, the clinical significance of this alteration remains unclear.

Labcorp Genetics (formerly Invitae), Labcorp
Classification: Uncertain significance. Last evaluated: 2024-04-01. Review status: criteria provided, single submitter. Criteria: Invitae Variant Classification Sherloc (09022015). Collection method: clinical testing. Allele origin: germline.
Comment: This sequence change replaces methionine, which is neutral and non-polar, with isoleucine, which is neutral and non-polar, at codon 2232 of the POLE protein (p.Met2232Ile). This variant is not present in population databases (gnomAD no frequency). This variant has not been reported in the literature in individuals affected with POLE-related conditions. ClinVar contains an entry for this variant (Variation ID: 838038). Advanced modeling of protein sequence and biophysical properties (such as structural, functional, and spatial information, amino acid conservation, physicochemical variation, residue mobility, and thermodynamic stability) performed at Invitae indicates that this missense variant is not expected to disrupt POLE protein function with a negative predictive value of 80%. In summary, the available evidence is currently insufficient to determine the role of this variant in disease. Therefore, it has been classified as a Variant of Uncertain Significance.

NM_006231.4(POLE):c.6696G>T (p.Met2232Ile)

Gene: POLE (DNA polymerase epsilon, catalytic subunit; minus strand). Cytogenetic location: 12q24.33.
Variant type: single nucleotide variant.
Coding change: c.6696G>T on transcript NM_006231.4 (MANE Select); coding-DNA position 6696, G replaced by T.
Protein change: p.Met2232Ile; replaces methionine 2232 with isoleucine.
Molecular consequence: missense variant.
Genome position (GRCh38, 1-based): chr12:132,624,956, C>A on the plus strand (G>T on the coding strand, the complement: POLE is on the minus strand). VCF-style: chr12-132624956-C-A. GRCh37 (hg19) VCF-style: chr12-133201542-C-A.
Other names: short protein forms M2232I.
Identifiers: ClinVar variation 838038 (VCV000838038.14), dbSNP rs1232121585, ClinGen allele CA387366156.